The following is an entry in ClinVar:

ClinVar aggregate classification (germline): Uncertain significance (1 of 4 stars; one submission).

Allele frequency attached by ClinVar (database versions not stated): gnomAD 0.00003; TOPMed 0.00004.
gnomAD v4.1: 22 of 1,605,358 alleles (0.0014%); highest among the groups gnomAD compares: African/African-American, 0.015%; no homozygotes.

Submission:

Labcorp Genetics (formerly Invitae), Labcorp
Classification: Uncertain significance. Last evaluated: 2022-08-09. Review status: criteria provided, single submitter. Criteria: Invitae Variant Classification Sherloc (09022015). Collection method: clinical testing. Allele origin: germline.
Comment: This sequence change replaces arginine, which is basic and polar, with cysteine, which is neutral and slightly polar, at codon 2281 of the SZT2 protein (p.Arg2281Cys). This variant is present in population databases (rs752242169, gnomAD 0.01%). This variant has not been reported in the literature in individuals affected with SZT2-related conditions. ClinVar contains an entry for this variant (Variation ID: 645765). Algorithms developed to predict the effect of missense changes on protein structure and function output the following: SIFT: "Deleterious"; PolyPhen-2: "Benign"; Align-GVGD: "Class C55". The cysteine amino acid residue is found in multiple mammalian species, which suggests that this missense change does not adversely affect protein function. In summary, the available evidence is currently insufficient to determine the role of this variant in disease. Therefore, it has been classified as a Variant of Uncertain Significance.

NM_001365999.1(SZT2):c.7012C>T (p.Arg2338Cys)

Gene: SZT2 (SZT2 subunit of KICSTOR complex; plus strand). Cytogenetic location: 1p34.2.
Variant type: single nucleotide variant.
Coding change: c.7012C>T on transcript NM_001365999.1 (MANE Select); coding-DNA position 7012, C replaced by T.
Protein change: p.Arg2338Cys; replaces arginine 2338 with cysteine.
Molecular consequence: missense variant.
Genome position (GRCh38, 1-based): chr1:43,439,739, C>T. VCF-style: chr1-43439739-C-T. GRCh37 (hg19) VCF-style: chr1-43905410-C-T.
Other names: c.6841C>T, p.Arg2281Cys (NM_015284.4); short protein forms R2281C, R2338C.
Identifiers: ClinVar variation 645765 (VCV000645765.5), dbSNP rs752242169, ClinGen allele CA810077.